The following is an entry in ClinVar:

ClinVar aggregate classification (germline): Likely pathogenic (1 of 4 stars; one submission).

Submission:

GeneDx
Classification: Likely pathogenic. Last evaluated: 2023-08-17. Review status: criteria provided, single submitter. Criteria: GeneDx Variant Classification Process June 2021. Collection method: clinical testing. Allele origin: germline. Affected: yes.
Comment: Canonical splice site variant predicted to result in an in-frame loss of the adjacent exon in a gene for which loss of function is a known mechanism of disease; Not observed at significant frequency in large population cohorts (gnomAD); This variant is associated with the following publications: (PMID: 25525159, 19319978)

NM_130837.3(OPA1):c.1036-1G>A

Gene: OPA1 (OPA1 mitochondrial dynamin like GTPase; plus strand). Cytogenetic location: 3q29.
Variant type: single nucleotide variant.
Coding change: c.1036-1G>A on transcript NM_130837.3 (MANE Select); the canonical splice acceptor site of the intron before coding-DNA position 1036, G replaced by A.
Molecular consequence: splice acceptor variant.
Genome position (GRCh38, 1-based): chr3:193,637,951, G>A. VCF-style: chr3-193637951-G-A. GRCh37 (hg19) VCF-style: chr3-193355740-G-A.
Other names: c.499-1G>A (NM_001354664.2); c.502-1G>A (NM_001354663.2); c.925-1G>A (NM_130834.3); c.982-1G>A (NM_130836.3); c.871-1G>A (NM_015560.3); c.928-1G>A (NM_130835.3); c.817-1G>A (NM_130832.3); c.874-1G>A (NM_130833.3); and 1 more.
Identifiers: ClinVar variation 214901 (VCV000214901.4), dbSNP rs863224130, ClinGen allele CA324512.
Genomic context (GRCh38, chr3:193,637,951, plus strand): 5'-GGTTTTAATTTTAATTTGGTATCAGAAAAATATGAATAAGTGTTCTTTGTTTTGTGGGAA[G>A]GTTGTTGTGGTTGGAGATCAGAGTGCTGGAAAGACTAGTGTGTTGGAAATGATTGCCCAA-3'